The following is an entry in ClinVar:

NC_000016.9:g.(?_89807192)_(89809366_?)del

Genes: FANCA (FA complementation group A; minus strand), ZNF276 (zinc finger protein 276; plus strand). Cytogenetic location: 16q24.3.
Variant type: Deletion.
Identifiers: ClinVar variation 3243272 (VCV003243272.1).

ClinVar aggregate classification (germline): Pathogenic (1 of 4 stars; one submission).

Conditions:
Fanconi anemia (FA). Also called: Fanconi's anemia. Identifiers: Orphanet 84, MedGen C0015625, MeSH D005199, MONDO:0019391.

Submission:

Labcorp Genetics (formerly Invitae), Labcorp
Classification: Pathogenic for Fanconi anemia. Last evaluated: 2023-04-16. Review status: criteria provided, single submitter. Criteria: Invitae Variant Classification Sherloc (09022015). Collection method: clinical testing. Allele origin: unknown.
Comment: This variant is a gross deletion of the genomic region encompassing exon(s) 37-38 of the FANCA gene. This deletion is out-of-frame, and is expected to create a premature termination codon and result in an absent or disrupted protein product. Loss-of-function variants in FANCA are known to be pathogenic (PMID: 19367192). For these reasons, this variant has been classified as Pathogenic. This variant has not been reported in the literature in individuals affected with FANCA-related conditions.

Literature cited by the submitters: PubMed 19367192.